The following is an entry in ClinVar:

NM_000368.5(TSC1):c.1082C>G (p.Ser361Cys)

Gene: TSC1 (TSC complex subunit 1; minus strand). Cytogenetic location: 9q34.13.
Variant type: single nucleotide variant.
Coding change: c.1082C>G on transcript NM_000368.5 (MANE Select); coding-DNA position 1082, C replaced by G.
Protein change: p.Ser361Cys; replaces serine 361 with cysteine.
Molecular consequence: missense variant. On other transcripts: non-coding transcript variant (5).
Genome position (GRCh38, 1-based): chr9:132,911,061, G>C on the plus strand (C>G on the coding strand, the complement: TSC1 is on the minus strand). VCF-style: chr9-132911061-G-C. GRCh37 (hg19) VCF-style: chr9-135786448-G-C.
Other names: c.1082C>G, p.Ser361Cys (NM_001162426.2, NM_001406592.1, NM_001406593.1 and 16 more transcripts); c.929C>G, p.Ser310Cys (NM_001162427.2, NM_001406610.1, NM_001406611.1 and 2 more transcripts); c.719C>G, p.Ser240Cys (NM_001362177.2, NM_001406616.1, NM_001406617.1 and 10 more transcripts); c.131C>G, p.Ser44Cys (NM_001406626.1, NM_001406627.1, NM_001406628.1); c.32C>G, p.Ser11Cys (NM_001406629.1, NM_001406630.1); short protein forms S11C, S310C, S361C, S240C, S44C.
Identifiers: ClinVar variation 2861024 (VCV002861024.3), dbSNP rs2131961079, ClinGen allele CA375367619.

ClinVar aggregate classification (germline): Uncertain significance (1 of 4 stars; one submission).

Conditions:
Tuberous sclerosis 1 (TSC1). Identifiers: Orphanet 805, MedGen C1854465, MONDO:0008612, OMIM 191100.

Submission:

Labcorp Genetics (formerly Invitae), Labcorp
Classification: Uncertain significance for Tuberous sclerosis 1. Last evaluated: 2023-05-01. Review status: criteria provided, single submitter. Criteria: Invitae Variant Classification Sherloc (09022015). Collection method: clinical testing. Allele origin: germline.
Comment: This variant has not been reported in the literature in individuals affected with TSC1-related conditions. In summary, the available evidence is currently insufficient to determine the role of this variant in disease. Therefore, it has been classified as a Variant of Uncertain Significance. Advanced modeling of protein sequence and biophysical properties (such as structural, functional, and spatial information, amino acid conservation, physicochemical variation, residue mobility, and thermodynamic stability) performed at Invitae indicates that this missense variant is not expected to disrupt TSC1 protein function. This variant is not present in population databases (gnomAD no frequency). This sequence change replaces serine, which is neutral and polar, with cysteine, which is neutral and slightly polar, at codon 361 of the TSC1 protein (p.Ser361Cys).